The following is an entry in ClinVar:

NM_000124.4(ERCC6):c.59G>A (p.Ser20Asn)

Gene: ERCC6 (ERCC excision repair 6, chromatin remodeling factor; minus strand). Cytogenetic location: 10q11.23.
Variant type: single nucleotide variant.
Coding change: c.59G>A on transcript NM_000124.4 (MANE Select); coding-DNA position 59, G replaced by A.
Protein change: p.Ser20Asn; replaces serine 20 with asparagine.
Molecular consequence: missense variant.
Genome position (GRCh38, 1-based): chr10:49,532,906, C>T on the plus strand (G>A on the coding strand, the complement: ERCC6 is on the minus strand). VCF-style: chr10-49532906-C-T. GRCh37 (hg19) VCF-style: chr10-50740952-C-T.
Other names: c.59G>A, p.Ser20Asn (NM_001277058.2, NM_001277059.2, NM_001346440.2); short protein forms S20N.
Identifiers: ClinVar variation 2158404 (VCV002158404.1), dbSNP rs755077879, ClinGen allele CA5496631.

ClinVar aggregate classification (germline): Uncertain significance (1 of 4 stars; one submission).

Allele frequency attached by ClinVar (database versions not stated): gnomAD exomes below 0.00001; TOPMed below 0.00001; gnomAD 0.00001; ExAC 0.00002.
gnomAD v4.1: 8 of 1,614,134 alleles (0.0005%); highest among the groups gnomAD compares: South Asian, 0.0022%; no homozygotes.

Submission:

Labcorp Genetics (formerly Invitae), Labcorp
Classification: Uncertain significance. Last evaluated: 2022-05-19. Review status: criteria provided, single submitter. Criteria: Invitae Variant Classification Sherloc (09022015). Collection method: clinical testing. Allele origin: germline.
Comment: This sequence change replaces serine, which is neutral and polar, with asparagine, which is neutral and polar, at codon 20 of the ERCC6 protein (p.Ser20Asn). This variant is present in population databases (rs755077879, gnomAD 0.01%). This variant has not been reported in the literature in individuals affected with ERCC6-related conditions. Algorithms developed to predict the effect of missense changes on protein structure and function output the following: SIFT: "Deleterious"; PolyPhen-2: "Benign"; Align-GVGD: "Class C45". The asparagine amino acid residue is found in multiple mammalian species, which suggests that this missense change does not adversely affect protein function. In summary, the available evidence is currently insufficient to determine the role of this variant in disease. Therefore, it has been classified as a Variant of Uncertain Significance.